The following is an entry in ClinVar:

NM_032242.4(PLXNA1):c.3369G>A (p.Pro1123=)

Gene: PLXNA1 (plexin A1; plus strand). Cytogenetic location: 3q21.3.
Variant type: single nucleotide variant.
Coding change: c.3369G>A on transcript NM_032242.4 (MANE Select); coding-DNA position 3369, G replaced by A.
Protein change: p.Pro1123=; no amino-acid change (proline 1123 retained).
Molecular consequence: synonymous variant.
Genome position (GRCh38, 1-based): chr3:127,017,517, G>A. VCF-style: chr3-127017517-G-A. GRCh37 (hg19) VCF-style: chr3-126736360-G-A.
Identifiers: ClinVar variation 3058563 (VCV003058563.4), dbSNP rs763191206, ClinGen allele CA2594000.

ClinVar aggregate classification (germline): Likely benign. Review status: criteria provided, single submitter (1 of 4 stars). 2 submissions from 2 submitters: Likely benign (1). 1 of the submissions does not count toward it. Last evaluated 2024-10-02.

Conditions:
PLXNA1-related disorder. Also called: PLXNA1-related condition.

Allele frequency attached by ClinVar (database versions not stated): ExAC 0.00001; TOPMed 0.00002; gnomAD 0.00003.
gnomAD v4.1: 33 of 1,613,488 alleles (0.002%); highest among the groups gnomAD compares: Non-Finnish European, 0.0026%; no homozygotes.

Submissions (2):

Labcorp Genetics (formerly Invitae), Labcorp
Classification: Likely benign. Last evaluated: 2024-10-02. Review status: criteria provided, single submitter. Criteria: Invitae Variant Classification Sherloc (09022015). Collection method: clinical testing. Allele origin: germline.

PreventionGenetics, part of Exact Sciences
Classification: Likely benign for PLXNA1-related condition. Last evaluated: 2022-11-16. Review status: no assertion criteria provided. Collection method: clinical testing. Allele origin: germline. Not counted in ClinVar's aggregate classification.
Comment: This variant is classified as likely benign based on ACMG/AMP sequence variant interpretation guidelines (Richards et al. 2015 PMID: 25741868, with internal and published modifications).